The following is an entry in ClinVar:

ClinVar aggregate classification (germline): Uncertain significance (1 of 4 stars; one submission).

Submission:

GeneDx
Classification: Uncertain significance. Last evaluated: 2022-10-09. Review status: criteria provided, single submitter. Criteria: GeneDx Variant Classification Process June 2021. Collection method: clinical testing. Allele origin: germline. Affected: yes.
Comment: Not observed at significant frequency in large population cohorts (gnomAD); In silico analysis supports that this missense variant does not alter protein structure/function; Has not been previously published as pathogenic or benign to our knowledge

NM_001008537.3(NEXMIF):c.3655G>A (p.Val1219Ile)

Gene: NEXMIF (neurite extension and migration factor; minus strand). Cytogenetic location: Xq13.3.
Variant type: single nucleotide variant.
Coding change: c.3655G>A on transcript NM_001008537.3 (MANE Select); coding-DNA position 3655, G replaced by A.
Protein change: p.Val1219Ile; replaces valine 1219 with isoleucine.
Molecular consequence: missense variant.
Genome position (GRCh38, 1-based): chrX:74,740,902, C>T on the plus strand (G>A on the coding strand, the complement: NEXMIF is on the minus strand). VCF-style: chrX-74740902-C-T. GRCh37 (hg19) VCF-style: chrX-73960737-C-T.
Other names: short protein forms V1219I.
Identifiers: ClinVar variation 2497885 (VCV002497885.1), dbSNP rs2519911882, ClinGen allele CA413665047.
Genomic context (GRCh38, chrX:74,740,902, plus strand): 5'-TTTGCATTTTCTCTCCATTGATGGCAGCCATGTATTTCCCTTTCTTTGTGGACTTAGGGA[C>T]CTGGCGGGAGTTTTTGCCAGGTGGTTTTTCAATCCCCTTGTTGTTACCTTTGAGGGATTT-3'
Protein context (NP_001008537.1, residues 1209-1229): EKPPGKNSRQ[Val1219Ile]PKSTKKGKYM